The following is an entry in ClinVar:

ClinVar aggregate classification (germline): Uncertain significance. Review status: criteria provided, multiple submitters, no conflicts (2 of 4 stars). 4 submissions from 4 submitters: Uncertain significance (4). Last evaluated 2024-11-27.

Conditions:
Developmental and epileptic encephalopathy, 53. Also called: Epileptic encephalopathy, early infantile, 53. Identifiers: MedGen C4479313, MONDO:0033362, OMIM 617389.
Early-onset Parkinson disease 20. Also called: PARKINSON DISEASE 20, AUTOSOMAL RECESSIVE EARLY-ONSET. Identifiers: Orphanet 391411, MedGen C3809824, MONDO:0014233, OMIM 615530.
Inborn genetic diseases. Identifiers: MedGen C0950123, MeSH D030342.

Allele frequency attached by ClinVar (database versions not stated): ExAC 0.00005; gnomAD exomes 0.00007; TOPMed 0.00008; gnomAD 0.00009 and 0.00011; ESP Exome Variant Server 0.00023.
gnomAD v4.1: 117 of 1,614,070 alleles (0.0072%); highest among the groups gnomAD compares: Non-Finnish European, 0.0089%; no homozygotes.

Submissions (4):

Labcorp Genetics (formerly Invitae), Labcorp
Classification: Uncertain significance for Developmental and epileptic encephalopathy, 53; Early-onset Parkinson disease 20. Last evaluated: 2024-11-27. Review status: criteria provided, single submitter. Criteria: Invitae Variant Classification Sherloc (09022015). Collection method: clinical testing. Allele origin: germline.
Comment: This sequence change replaces serine, which is neutral and polar, with proline, which is neutral and non-polar, at codon 1072 of the SYNJ1 protein (p.Ser1072Pro). This variant is present in population databases (rs61752559, gnomAD 0.01%). This variant has not been reported in the literature in individuals affected with SYNJ1-related conditions. ClinVar contains an entry for this variant (Variation ID: 580644). Invitae Evidence Modeling of protein sequence and biophysical properties (such as structural, functional, and spatial information, amino acid conservation, physicochemical variation, residue mobility, and thermodynamic stability) indicates that this missense variant is not expected to disrupt SYNJ1 protein function with a negative predictive value of 80%. In summary, the available evidence is currently insufficient to determine the role of this variant in disease. Therefore, it has been classified as a Variant of Uncertain Significance.

Ambry Genetics
Classification: Uncertain significance for Inborn genetic diseases. Last evaluated: 2023-04-25. Review status: criteria provided, single submitter. Criteria: Ambry Variant Classification Scheme 2023. Collection method: clinical testing. Allele origin: germline.

GeneDx
Classification: Uncertain significance. Last evaluated: 2022-10-19. Review status: criteria provided, single submitter. Criteria: GeneDx Variant Classification Process June 2021. Collection method: clinical testing. Allele origin: germline. Affected: yes.
Comment: Not observed at significant frequency in large population cohorts (gnomAD); In silico analysis supports that this missense variant does not alter protein structure/function; Has not been previously published as pathogenic or benign to our knowledge

Baylor Genetics
Classification: Uncertain significance for Developmental and epileptic encephalopathy, 53. Last evaluated: 2018-01-25. Review status: criteria provided, single submitter. Criteria: ACMG Guidelines, 2015. Collection method: clinical testing. Allele origin: unknown. Affected: yes.
Comment: This variant was determined to be of uncertain significance according to ACMG Guidelines, 2015 [PMID:25741868].

NM_203446.3(SYNJ1):c.3097T>C (p.Ser1033Pro)

Gene: SYNJ1 (synaptojanin 1; minus strand). Cytogenetic location: 21q22.11.
Variant type: single nucleotide variant.
Coding change: c.3097T>C on transcript NM_203446.3 (MANE Select); coding-DNA position 3097, T replaced by C.
Protein change: p.Ser1033Pro; replaces serine 1033 with proline.
Molecular consequence: missense variant.
Genome position (GRCh38, 1-based): chr21:32,646,543, A>G on the plus strand (T>C on the coding strand, the complement: SYNJ1 is on the minus strand). VCF-style: chr21-32646543-A-G. GRCh37 (hg19) VCF-style: chr21-34018853-A-G.
Other names: c.3097T>C, p.Ser1033Pro (NM_001160302.2); c.3082T>C, p.Ser1028Pro (NM_001160306.2); c.3214T>C, p.Ser1072Pro (NM_003895.4); short protein forms S1072P, S1028P, S1033P.
Identifiers: ClinVar variation 580644 (VCV000580644.10), dbSNP rs61752559, ClinGen allele CA10003506.
Genomic context (GRCh38, chr21:32,646,543, plus strand): 5'-ACTGGCAGGGACTAGTTCGGGGTGAAGAGCTGGGGGAAGTACCAAGGCCGGAACTTGAAG[A>G]TGGCTGGAGATGCTGAGGAAGAAGTTCCTCCACTTCAGCACTATAGTCATCAACATCACC-3'
Protein context (NP_982271.3, residues 1023-1043): EELLPQHLQP[Ser1033Pro]SSSGLGTSPS